The following is an entry in ClinVar:

ClinVar aggregate classification (germline): Uncertain significance (1 of 4 stars; one submission).

Conditions:
Werner syndrome (WRN). Identifiers: Orphanet 902, MedGen C0043119, MONDO:0010196, OMIM 277700.

Allele frequency attached by ClinVar (database versions not stated): gnomAD exomes below 0.00001; gnomAD 0.00001.

Submission:

Labcorp Genetics (formerly Invitae), Labcorp
Classification: Uncertain significance for Werner syndrome. Last evaluated: 2025-10-20. Review status: criteria provided, single submitter. Criteria: Invitae Variant Classification Sherloc (09022015). Collection method: clinical testing. Allele origin: germline.
Comment: This sequence change replaces threonine, which is neutral and polar, with alanine, which is neutral and non-polar, at codon 303 of the WRN protein (p.Thr303Ala). This variant is not present in population databases (gnomAD no frequency). This variant has not been reported in the literature in individuals affected with WRN-related conditions. ClinVar contains an entry for this variant (Variation ID: 664838). An algorithm developed to predict the effect of missense changes on protein structure and function outputs the following: PolyPhen-2: "Benign". The alanine amino acid residue is found in multiple mammalian species, which suggests that this missense change does not adversely affect protein function. In summary, the available evidence is currently insufficient to determine the role of this variant in disease. Therefore, it has been classified as a Variant of Uncertain Significance.

NM_000553.6(WRN):c.907A>G (p.Thr303Ala)

Gene: WRN (WRN RecQ like helicase; plus strand). Cytogenetic location: 8p12.
Variant type: single nucleotide variant.
Coding change: c.907A>G on transcript NM_000553.6 (MANE Select); coding-DNA position 907, A replaced by G.
Protein change: p.Thr303Ala; replaces threonine 303 with alanine.
Molecular consequence: missense variant.
Genome position (GRCh38, 1-based): chr8:31,080,934, A>G. VCF-style: chr8-31080934-A-G. GRCh37 (hg19) VCF-style: chr8-30938450-A-G.
Other names: short protein forms T303A.
Identifiers: ClinVar variation 664838 (VCV000664838.5), dbSNP rs1585427586, ClinGen allele CA370919832.